The following is an entry in ClinVar:

ClinVar aggregate classification (germline): Uncertain significance (1 of 4 stars; one submission).

Conditions:
Nephrolithiasis/nephrocalcinosis. Identifiers: MedGen CN580796.

Submission:

Ambry Genetics
Classification: Uncertain significance for Nephrolithiasis/nephrocalcinosis. Last evaluated: 2024-11-09. Review status: criteria provided, single submitter. Criteria: Ambry Variant Classification Scheme 2023. Collection method: clinical testing. Allele origin: germline.
Comment: The p.R955G variant (also known as c.2863C>G), located in coding exon 6 of the CASR gene, results from a C to G substitution at nucleotide position 2863. The arginine at codon 955 is replaced by glycine, an amino acid with dissimilar properties. This amino acid position is poorly conserved in available vertebrate species. In addition, this alteration is predicted to be tolerated by in silico analysis. In addition, the evidence for the gene-disease relationship is limited for pancreatitis and cancer predisposition; therefore, the clinical significance of this variant for CASR-related pancreatitis and cancer predisposition is unclear.

NM_000388.4(CASR):c.2863C>G (p.Arg955Gly)

Gene: CASR (calcium sensing receptor; plus strand). Cytogenetic location: 3q21.1.
Variant type: single nucleotide variant.
Coding change: c.2863C>G on transcript NM_000388.4 (MANE Select); coding-DNA position 2863, C replaced by G.
Protein change: p.Arg955Gly; replaces arginine 955 with glycine.
Molecular consequence: missense variant.
Genome position (GRCh38, 1-based): chr3:122,284,817, C>G. VCF-style: chr3-122284817-C-G. GRCh37 (hg19) VCF-style: chr3-122003664-C-G.
Other names: c.2893C>G, p.Arg965Gly (NM_001178065.2); short protein forms R955G, R965G.
Identifiers: ClinVar variation 3485336 (VCV003485336.1).